The following is an entry in ClinVar:

NM_004366.6(CLCN2):c.1192G>A (p.Val398Ile)

Gene: CLCN2 (chloride voltage-gated channel 2; minus strand). Cytogenetic location: 3q27.1.
Variant type: single nucleotide variant.
Coding change: c.1192G>A on transcript NM_004366.6 (MANE Select); coding-DNA position 1192, G replaced by A.
Protein change: p.Val398Ile; replaces valine 398 with isoleucine.
Molecular consequence: missense variant.
Genome position (GRCh38, 1-based): chr3:184,355,508, C>T on the plus strand (G>A on the coding strand, the complement: CLCN2 is on the minus strand). VCF-style: chr3-184355508-C-T. GRCh37 (hg19) VCF-style: chr3-184073296-C-T.
Other names: c.1192G>A, p.Val398Ile (NM_001171087.3, NM_001171089.3); c.1060G>A, p.Val354Ile (NM_001171088.3); short protein forms V398I, V354I.
Identifiers: ClinVar variation 4779269 (VCV004779269.1).

ClinVar aggregate classification (germline): Uncertain significance (1 of 4 stars; one submission).

gnomAD v4.1: 14 of 1,613,952 alleles (0.00087%); highest among the groups gnomAD compares: East Asian, 0.0045%; no homozygotes.

Submission:

Labcorp Genetics (formerly Invitae), Labcorp
Classification: Uncertain significance. Last evaluated: 2025-05-03. Review status: criteria provided, single submitter. Criteria: Invitae Variant Classification Sherloc (09022015). Collection method: clinical testing. Allele origin: germline.
Comment: This sequence change replaces valine, which is neutral and non-polar, with isoleucine, which is neutral and non-polar, at codon 398 of the CLCN2 protein (p.Val398Ile). This variant is present in population databases (no rsID available, gnomAD 0.01%). This variant has not been reported in the literature in individuals affected with CLCN2-related conditions. Invitae Evidence Modeling of protein sequence and biophysical properties (such as structural, functional, and spatial information, amino acid conservation, physicochemical variation, residue mobility, and thermodynamic stability) indicates that this missense variant is not expected to disrupt CLCN2 protein function with a negative predictive value of 80%. In summary, the available evidence is currently insufficient to determine the role of this variant in disease. Therefore, it has been classified as a Variant of Uncertain Significance.